The following is an entry in ClinVar:

NM_001379500.1(COL18A1):c.2270G>A (p.Gly757Glu)

Gene: COL18A1 (collagen type XVIII alpha 1 chain; plus strand). Cytogenetic location: 21q22.3.
Variant type: single nucleotide variant.
Coding change: c.2270G>A on transcript NM_001379500.1 (MANE Select); coding-DNA position 2270, G replaced by A.
Protein change: p.Gly757Glu; replaces glycine 757 with glutamic acid.
Molecular consequence: missense variant.
Genome position (GRCh38, 1-based): chr21:45,493,218, G>A. VCF-style: chr21-45493218-G-A. GRCh37 (hg19) VCF-style: chr21-46913132-G-A.
Other names: c.2810G>A, p.Gly937Glu (NM_030582.4); c.3515G>A, p.Gly1172Glu (NM_130444.3); short protein forms G757E, G937E, G1172E.
Identifiers: ClinVar variation 1519413 (VCV001519413.5), dbSNP rs2145993811, ClinGen allele CA410497351.

ClinVar aggregate classification (germline): Uncertain significance (1 of 4 stars; one submission).

Submission:

Labcorp Genetics (formerly Invitae), Labcorp
Classification: Uncertain significance. Last evaluated: 2021-09-15. Review status: criteria provided, single submitter. Criteria: Invitae Variant Classification Sherloc (09022015). Collection method: clinical testing. Allele origin: germline.
Comment: Experimental studies and prediction algorithms are not available or were not evaluated, and the functional significance of this variant is currently unknown. This sequence change replaces glycine with glutamic acid at codon 757 of the COL18A1 protein (p.Gly757Glu). There is a moderate physicochemical difference between glycine and glutamic acid. This variant is not present in population databases (ExAC no frequency). This variant has not been reported in the literature in individuals affected with COL18A1-related conditions. In summary, the available evidence is currently insufficient to determine the role of this variant in disease. Therefore, it has been classified as a Variant of Uncertain Significance.